The following is an entry in ClinVar:

NM_182961.4(SYNE1):c.779-4dup

Gene: SYNE1 (spectrin repeat containing nuclear envelope protein 1; minus strand). Cytogenetic location: 6q25.2.
Variant type: Duplication.
Coding change: c.779-4dup on transcript NM_182961.4 (MANE Select); 4 bases into the intron before coding-DNA position 779, one base duplicated (T; older notation c.779-4dupT).
Molecular consequence: intron variant.
Genome position (GRCh38, 1-based): chr6:152,502,746, A duplicated on the plus strand (T on the coding strand, the reverse complement: SYNE1 is on the minus strand); the first of 6 consecutive A bases (chr6:152,502,746-152,502,751); duplicating any one gives the same sequence. VCF-style (leftmost placement, unchanged base first): chr6-152502745-G-GA. GRCh37 (hg19) VCF-style: chr6-152823880-G-GA.
Other names: c.800-4dupT (NM_033071.3); c.800-4dup (NM_033071.5).
Identifiers: ClinVar variation 499296 (VCV000499296.18), dbSNP rs567435072, ClinGen allele CA4059615.
Genomic context (GRCh38, chr6:152,502,745, plus strand): 5'-AGAAACTGGGCTACATAGGTCATAATAGATTTCTCATCTGGTTTATCCACATCAACGTCT[G>GA]AAAAAACAAAAAAGAAATGTGAATAAACTAATTAGCATTCATTGGATTTTGATAATACAA-3'

ClinVar aggregate classification (germline): Conflicting classifications of pathogenicity. Review status: criteria provided, conflicting classifications (1 of 4 stars). 4 submissions from 4 submitters: Uncertain significance (1); Benign (2). 1 of the submissions does not count toward it. Last evaluated 2026-01-11.

Conditions:
SYNE1-related disorder. Also called: SYNE1-related disorders; SYNE1-related disease; SYNE1-related condition.
Emery-Dreifuss muscular dystrophy 4, autosomal dominant (EDMD4). Also called: EMERY-DREIFUSS MUSCULAR DYSTROPHY 4 WITH VARIABLE FEATURES. Identifiers: Orphanet 261, MedGen C2751807, MONDO:0013071, OMIM 612998.
Autosomal recessive ataxia, Beauce type. Also called: SYNE1 Deficiency; Spinocerebellar ataxia, autosomal recessive 8; ATAXIA, RECESSIVE, OF BEAUCE; SYNE1-Related Autosomal Recessive Cerebellar Ataxia. Identifiers: Orphanet 88644, MedGen C1853116, MONDO:0012549, OMIM 610743.

Submissions (4):

Labcorp Genetics (formerly Invitae), Labcorp
Classification: Benign for Emery-Dreifuss muscular dystrophy 4, autosomal dominant; Autosomal recessive ataxia, Beauce type. Last evaluated: 2026-01-11. Review status: criteria provided, single submitter. Criteria: Invitae Variant Classification Sherloc (09022015). Collection method: clinical testing. Allele origin: germline.

Athena Diagnostics
Classification: Benign. Last evaluated: 2019-02-25. Review status: criteria provided, single submitter. Criteria: Athena Diagnostics Criteria. Collection method: clinical testing. Allele origin: germline.

Eurofins Ntd Llc (ga)
Classification: Uncertain significance. Last evaluated: 2017-01-10. Review status: criteria provided, single submitter. Criteria: EGL Classification Definitions 2015. Collection method: clinical testing. Allele origin: germline. Observed: 2 variant alleles, 1 heterozygote.

PreventionGenetics, part of Exact Sciences
Classification: Likely benign for SYNE1-related condition. Last evaluated: 2021-11-18. Review status: no assertion criteria provided. Collection method: clinical testing. Allele origin: germline. Not counted in ClinVar's aggregate classification.
Comment: This variant is classified as likely benign based on ACMG/AMP sequence variant interpretation guidelines (Richards et al. 2015 PMID: 25741868, with internal and published modifications).